The following is an entry in ClinVar:

NM_001365276.2(TNXB):c.9140C>T (p.Thr3047Ile)

Gene: TNXB (tenascin XB; minus strand). Cytogenetic location: 6p21.33.
Variant type: single nucleotide variant.
Coding change: c.9140C>T on transcript NM_001365276.2 (MANE Select); coding-DNA position 9140, C replaced by T.
Protein change: p.Thr3047Ile; replaces threonine 3047 with isoleucine.
Molecular consequence: missense variant.
Genome position (GRCh38, 1-based): chr6:32,050,297, G>A on the plus strand (C>T on the coding strand, the complement: TNXB is on the minus strand). VCF-style: chr6-32050297-G-A. GRCh37 (hg19) VCF-style: chr6-32018074-G-A.
Other names: c.9134C>T, p.Thr3045Ile (NM_019105.8); short protein forms T3047I, T3045I.
Identifiers: ClinVar variation 2451189 (VCV002451189.2), dbSNP rs2483433201, ClinGen allele CA363541988.

ClinVar aggregate classification (germline): Uncertain significance (1 of 4 stars; one submission).

Conditions:
Cardiovascular phenotype. Identifiers: MedGen CN230736.

Allele frequency attached by ClinVar (database versions not stated): gnomAD exomes below 0.00001.
gnomAD v4.1: 2 of 1,613,074 alleles (0.00012%); highest among the groups gnomAD compares: Non-Finnish European, 0.00017%; no homozygotes.

Submission:

Ambry Genetics
Classification: Uncertain significance for Cardiovascular phenotype. Last evaluated: 2023-02-23. Review status: criteria provided, single submitter. Criteria: Ambry Variant Classification Scheme 2023. Collection method: clinical testing. Allele origin: germline.
Comment: The p.T3045I variant (also known as c.9134C>T), located in coding exon 26 of the TNXB gene, results from a C to T substitution at nucleotide position 9134. The threonine at codon 3045 is replaced by isoleucine, an amino acid with similar properties. This amino acid position is conserved. In addition, this alteration is predicted to be tolerated by in silico analysis. Since supporting evidence is limited at this time, the clinical significance of this alteration remains unclear.